The following is an entry in ClinVar:

NM_000260.4(MYO7A):c.4739A>G (p.Tyr1580Cys)

Gene: MYO7A (myosin VIIA; plus strand). Cytogenetic location: 11q13.5.
Variant type: single nucleotide variant.
Coding change: c.4739A>G on transcript NM_000260.4 (MANE Select); coding-DNA position 4739, A replaced by G.
Protein change: p.Tyr1580Cys; replaces tyrosine 1580 with cysteine.
Molecular consequence: missense variant.
Genome position (GRCh38, 1-based): chr11:77,199,705, A>G. VCF-style: chr11-77199705-A-G. GRCh37 (hg19) VCF-style: chr11-76910750-A-G.
Other names: c.4625A>G, p.Tyr1542Cys (NM_001127180.2); c.4592A>G, p.Tyr1531Cys (NM_001369365.1); short protein forms Y1580C, Y1542C, Y1531C.
Identifiers: ClinVar variation 43256 (VCV000043256.27), dbSNP rs370232066, ClinGen allele CA132349.

ClinVar aggregate classification (germline): Uncertain significance. Review status: criteria provided, multiple submitters, no conflicts (2 of 4 stars). 14 submissions from 12 submitters: Uncertain significance (8). 6 of the submissions do not count toward it. Last evaluated 2025-01-06.

Conditions:
MYO7A-related disorder. Also called: MYO7A-related disorders.
Retinal dystrophy. Also called: Inherited retinal dystrophy. Identifiers: Orphanet 71862, MedGen C0854723, MeSH D058499, MONDO:0019118, HP:0000556.
Usher syndrome type 1 (USH1). Also called: RETINITIS PIGMENTOSA AND CONGENITAL DEAFNESS. Identifiers: Orphanet 231169, Orphanet 886, MedGen C1568247, MONDO:0010168, OMIM 276900.
Autosomal recessive nonsyndromic hearing loss 2. Also called: DEAFNESS, AUTOSOMAL RECESSIVE 2; NEUROSENSORY NONSYNDROMIC RECESSIVE DEAFNESS 2. Identifiers: Orphanet 90636, MedGen C1838701, MONDO:0010807, OMIM 600060.
Autosomal dominant nonsyndromic hearing loss 11. Identifiers: Orphanet 90635, MedGen C1832475, MONDO:0011032, OMIM 601317.
Usher syndrome type 1B (USH1B). Also called: Usher syndrome type IB. Identifiers: MedGen C1848638, MONDO:0700087.
Hearing impairment. Also called: Impaired Hearing. Identifiers: MedGen C1384666, MONDO:0005365, HP:0000365.

Allele frequency attached by ClinVar (database versions not stated): ExAC 0.00015; gnomAD exomes 0.00016 and 0.00028; gnomAD 0.00017 and 0.00018; TOPMed 0.00017; ESP Exome Variant Server 0.00032.
gnomAD v4.1: 428 of 1,613,572 alleles (0.027%); highest among the groups gnomAD compares: Non-Finnish European, 0.035%; no homozygotes.

Submissions (14):

GeneDx
Classification: Uncertain significance. Last evaluated: 2025-01-06. Review status: criteria provided, single submitter. Criteria: GeneDx Variant Classification Process June 2021. Collection method: clinical testing. Allele origin: germline. Affected: yes.
Comment: Reported in the heterozygous state in a patient with hearing loss in published literature (PMID: 34753855); In silico analysis supports that this missense variant has a deleterious effect on protein structure/function; This variant is associated with the following publications: (PMID: 31260034, 34753855)

Labcorp Genetics (formerly Invitae), Labcorp
Classification: Uncertain significance. Last evaluated: 2024-11-08. Review status: criteria provided, single submitter. Criteria: Invitae Variant Classification Sherloc (09022015). Collection method: clinical testing. Allele origin: germline.
Comment: This sequence change replaces tyrosine, which is neutral and polar, with cysteine, which is neutral and slightly polar, at codon 1580 of the MYO7A protein (p.Tyr1580Cys). This variant is present in population databases (rs370232066, gnomAD 0.03%). This variant has not been reported in the literature in individuals affected with MYO7A-related conditions. ClinVar contains an entry for this variant (Variation ID: 43256). Invitae Evidence Modeling of protein sequence and biophysical properties (such as structural, functional, and spatial information, amino acid conservation, physicochemical variation, residue mobility, and thermodynamic stability) indicates that this missense variant is expected to disrupt MYO7A protein function with a positive predictive value of 95%. In summary, the available evidence is currently insufficient to determine the role of this variant in disease. Therefore, it has been classified as a Variant of Uncertain Significance.

Blueprint Genetics
Classification: Uncertain significance. Last evaluated: 2023-08-22. Review status: criteria provided, single submitter. Criteria: ACMG Guidelines, 2015. Collection method: clinical testing. Allele origin: germline.

Department of Otolaryngology – Head & Neck Surgery, Cochlear Implant Center
Classification: Uncertain significance for Hearing impairment. Last evaluated: 2021-04-12. Review status: criteria provided, single submitter. Criteria: ClinGen HL ACMG Specifications v1. Collection method: clinical testing. Allele origin: germline. Affected: yes.
Comment: PM5_Moderate, PP3_Supporting

Illumina Laboratory Services, Illumina
Classification: Uncertain significance for Autosomal dominant nonsyndromic hearing loss 11. Last evaluated: 2018-01-12. Review status: criteria provided, single submitter. Criteria: ICSL Variant Classification Criteria 13 December 2019. Collection method: clinical testing. Allele origin: germline.

Illumina Laboratory Services, Illumina
Classification: Uncertain significance for Autosomal recessive nonsyndromic hearing loss 2. Last evaluated: 2018-01-12. Review status: criteria provided, single submitter. Criteria: ICSL Variant Classification Criteria 13 December 2019. Collection method: clinical testing. Allele origin: germline.

Illumina Laboratory Services, Illumina
Classification: Uncertain significance for Usher syndrome type 1. Last evaluated: 2018-01-12. Review status: criteria provided, single submitter. Criteria: ICSL Variant Classification Criteria 13 December 2019. Collection method: clinical testing. Allele origin: germline.

Laboratory for Molecular Medicine, Mass General Brigham Personalized Medicine
Classification: Uncertain significance. Last evaluated: 2010-09-29. Review status: criteria provided, single submitter. Criteria: LMM Criteria. Collection method: clinical testing. Allele origin: germline. Observed: 1 variant allele.
Comment: Variant classified as Uncertain Significance - Favor Benign. The Tyr1580Cys vari ant in MYO7A has not been reported in the literature nor previously identified b y our laboratory. The Tyrosine (Tyr) residue at position 1580 is conserved acros s mammals and some lower species and computational analyses (PolyPhen, SIFT, Ali gnGVGD) suggest that the Tyr1580Cys variant may impact the protein. However, thi s information is not predictive enough to assume pathogenicity. It should be not ed that this lab has only sequenced the MYO7A in approximately 200 individuals s uch that the full spectrum of benign variation has not yet been defined for this gene, increasing the possibility that this could be a benign variant. In summar y, the clinical significance of this variant cannot be determined with certainty at this time.

PreventionGenetics, part of Exact Sciences
Classification: Uncertain significance for MYO7A-related condition. Last evaluated: 2024-09-18. Review status: no assertion criteria provided. Collection method: clinical testing. Allele origin: germline. Not counted in ClinVar's aggregate classification.
Comment: The MYO7A c.4739A>G variant is predicted to result in the amino acid substitution p.Tyr1580Cys. To our knowledge, this variant has not been reported in the literature. This variant is reported in 0.031% of alleles in individuals of European (Non-Finnish) descent in gnomAD. At this time, the clinical significance of this variant is uncertain due to the absence of conclusive functional and genetic evidence.

Institute of Human Genetics, Univ. Regensburg, Univ. Regensburg
Classification: Uncertain significance for Retinal dystrophy. Last evaluated: 2021-01-01. Review status: no assertion criteria provided. Criteria: ACMG Guidelines, 2015. Collection method: clinical testing. Allele origin: germline. Affected: yes. Not counted in ClinVar's aggregate classification.

Natera, Inc.
Classification: Uncertain significance for Usher syndrome type 1B. Last evaluated: 2020-04-17. Review status: no assertion criteria provided. Collection method: clinical testing. Allele origin: germline. Not counted in ClinVar's aggregate classification.

Clinical Genetics DNA and cytogenetics Diagnostics Lab, Erasmus MC, Erasmus Medical Center
Classification: Uncertain significance. Review status: no assertion criteria provided. Collection method: clinical testing. Allele origin: germline. Affected: yes. Study: VKGL Data-share Consensus. Not counted in ClinVar's aggregate classification.

Clinical Genetics, Academic Medical Center
Classification: Uncertain significance. Review status: no assertion criteria provided. Collection method: clinical testing. Allele origin: germline. Affected: yes. Study: VKGL Data-share Consensus. Not counted in ClinVar's aggregate classification.

Joint Genome Diagnostic Labs from Nijmegen and Maastricht, Radboudumc and MUMC+
Classification: Uncertain significance. Review status: no assertion criteria provided. Collection method: clinical testing. Allele origin: germline. Affected: yes. Study: VKGL Data-share Consensus. Not counted in ClinVar's aggregate classification.